The following is an entry in ClinVar:

ClinVar aggregate classification (germline): Benign/Likely benign. Review status: criteria provided, multiple submitters, no conflicts (2 of 4 stars). 4 submissions from 4 submitters: Benign (1); Likely benign (2). 1 of the submissions does not count toward it. Last evaluated 2024-01-19.

Conditions:
FHL1-related disorder. Also called: FHL1-related condition; FHL1-related disorders.

Allele frequency attached by ClinVar (database versions not stated): gnomAD exomes 0.00017 and 0.00099; gnomAD 0.00038 and 0.00036; 1000 Genomes Project 0.00026; ExAC 0.00007; 1000 Genomes Project 30x 0.00021; TOPMed 0.00077.
gnomAD v4.1: 209 of 1,163,238 alleles (0.018%); highest among the groups gnomAD compares: Admixed American, 0.38%; no homozygotes.

Submissions (4):

Blueprint Genetics
Classification: Benign. Last evaluated: 2024-01-19. Review status: criteria provided, single submitter. Criteria: ACMG Guidelines, 2015. Collection method: clinical testing. Allele origin: germline.

ARUP Laboratories, Molecular Genetics and Genomics, ARUP Laboratories
Classification: Likely benign. Last evaluated: 2021-04-27. Review status: criteria provided, single submitter. Criteria: ARUP Molecular Germline Variant Investigation Process 2021. Collection method: clinical testing. Allele origin: germline.

Breakthrough Genomics
Classification: Likely benign. Review status: criteria provided, single submitter. Criteria: ACMG Guidelines, 2015. Collection method: not provided. Allele origin: germline. Inheritance: X-linked inheritance. Affected: yes.

PreventionGenetics, part of Exact Sciences
Classification: Benign for FHL1-related condition. Last evaluated: 2020-01-02. Review status: no assertion criteria provided. Collection method: clinical testing. Allele origin: germline. Not counted in ClinVar's aggregate classification.
Comment: This variant is classified as benign based on ACMG/AMP sequence variant interpretation guidelines (Richards et al. 2015 PMID: 25741868, with internal and published modifications).

NM_001159702.3(FHL1):c.-26-9547G>A

Gene: FHL1 (four and a half LIM domains 1; plus strand). Cytogenetic location: Xq26.3.
Variant type: single nucleotide variant.
Coding change: c.-26-9547G>A on transcript NM_001159702.3 (MANE Plus Clinical); 9547 bases into the intron before 26 bases upstream of the start codon, G replaced by A.
Molecular consequence: intron variant. On other transcripts: missense variant (1).
Genome position (GRCh38, 1-based): chrX:136,196,860, G>A. VCF-style: chrX-136196860-G-A. GRCh37 (hg19) VCF-style: chrX-135279019-G-A.
Other names: c.-26-9547G>A (NM_001369327.2, NM_001369330.1, NM_001159700.2 and 7 more transcripts); c.58G>A, p.Ala20Thr (NM_001159701.2); short protein forms A20T.
Identifiers: ClinVar variation 993975 (VCV000993975.13), dbSNP rs192893870, ClinGen allele CA10524930.